The following is an entry in ClinVar:

ClinVar aggregate classification (germline): Uncertain significance (1 of 4 stars; one submission).

Conditions:
SCLT1-related disorder. Also called: SCLT1-related condition.

Submission:

PreventionGenetics, part of Exact Sciences
Classification: Uncertain significance for SCLT1-related condition. Last evaluated: 2025-01-09. Review status: criteria provided, single submitter. Criteria: ACMG Guidelines, 2015. Collection method: clinical testing. Allele origin: germline.
Comment: The SCLT1 c.1013A>C variant is predicted to result in the amino acid substitution p.Gln338Pro. To our knowledge, this variant has not been reported in the literature or in a large population database (gnomAD), indicating this variant is rare. At this time, the clinical significance of this variant is uncertain due to the absence of conclusive functional and genetic evidence.

NM_144643.4(SCLT1):c.1013A>C (p.Gln338Pro)

Gene: SCLT1 (sodium channel and clathrin linker 1; minus strand). Cytogenetic location: 4q28.2.
Variant type: single nucleotide variant.
Coding change: c.1013A>C on transcript NM_144643.4 (MANE Select); coding-DNA position 1013, A replaced by C.
Protein change: p.Gln338Pro; replaces glutamine 338 with proline.
Molecular consequence: missense variant.
Genome position (GRCh38, 1-based): chr4:128,959,634, T>G on the plus strand (A>C on the coding strand, the complement: SCLT1 is on the minus strand). VCF-style: chr4-128959634-T-G. GRCh37 (hg19) VCF-style: chr4-129880789-T-G.
Other names: c.1013A>C, p.Gln338Pro (NM_001410807.1); short protein forms Q338P.
Identifiers: ClinVar variation 4999684 (VCV004999684.1).